The following is an entry in ClinVar:

NM_022124.6(CDH23):c.1866C>T (p.Ser622=)

Gene: CDH23 (cadherin related 23; plus strand). Cytogenetic location: 10q22.1.
Variant type: single nucleotide variant.
Coding change: c.1866C>T on transcript NM_022124.6 (MANE Select); coding-DNA position 1866, C replaced by T.
Protein change: p.Ser622=; no amino-acid change (serine 622 retained).
Molecular consequence: synonymous variant.
Genome position (GRCh38, 1-based): chr10:71,682,452, C>T. VCF-style: chr10-71682452-C-T. GRCh37 (hg19) VCF-style: chr10-73442209-C-T.
Other names: c.1866C>T, p.Ser622= (NM_001171930.2, NM_001171931.2).
Identifiers: ClinVar variation 45884 (VCV000045884.14), dbSNP rs397517312, ClinGen allele CA137305.
Genomic context (GRCh38, chr10:71,682,452, plus strand): 5'-CGGGCATCTCAAGTCTGCTTACAGAGGGATCTGGCCTGTTCCTGTCATTGCAGTGATCAG[C>T]GTCAGTCGCCCCCTGGATTATGAACAGATATCCAATGGGCTGATTTATCTGACGGTCATG-3'
Protein context (NP_071407.4, residues 612-632): ISLYEGYGVI[Ser622=]VSRPLDYEQI

ClinVar aggregate classification (germline): Likely benign. Review status: criteria provided, multiple submitters, no conflicts (2 of 4 stars). 2 submissions from 2 submitters: Likely benign (2). Last evaluated 2025-08-01.

Allele frequency attached by ClinVar (database versions not stated): gnomAD 0.00003; gnomAD exomes 0.00003; ExAC 0.00007.
gnomAD v4.1: 23 of 1,611,484 alleles (0.0014%); highest among the groups gnomAD compares: Admixed American, 0.0067%; no homozygotes.

Submissions (2):

Labcorp Genetics (formerly Invitae), Labcorp
Classification: Likely benign. Last evaluated: 2025-08-01. Review status: criteria provided, single submitter. Criteria: Invitae Variant Classification Sherloc (09022015). Collection method: clinical testing. Allele origin: germline.

Laboratory for Molecular Medicine, Mass General Brigham Personalized Medicine
Classification: Likely benign. Last evaluated: 2013-01-10. Review status: criteria provided, single submitter. Criteria: LMM Criteria. Collection method: clinical testing. Allele origin: germline. Observed: 1 variant allele.
Comment: Ser622Ser in exon 18 of CDH23: This variant is not expected to have clinical sig nificance because it does not alter an amino acid residue and is not located wit hin the splice consensus sequence.